The following is an entry in ClinVar:

ClinVar aggregate classification (germline): Uncertain significance (1 of 4 stars; one submission).

Conditions:
Hereditary cancer-predisposing syndrome. Also called: Neoplastic Syndromes, Hereditary; Tumor predisposition; Hereditary neoplastic syndrome; Hereditary Cancer Syndrome. Identifiers: Orphanet 140162, MedGen C0027672, MeSH D009386, MONDO:0015356.

Submission:

Ambry Genetics
Classification: Uncertain significance for Hereditary cancer-predisposing syndrome. Last evaluated: 2023-10-08. Review status: criteria provided, single submitter. Criteria: Ambry Variant Classification Scheme 2023. Collection method: clinical testing. Allele origin: germline.
Comment: The p.K613E variant (also known as c.1837A>G), located in coding exon 11 of the PMS2 gene, results from an A to G substitution at nucleotide position 1837. The lysine at codon 613 is replaced by glutamic acid, an amino acid with similar properties. This amino acid position is conserved. In addition, the in silico prediction for this alteration is inconclusive. Since supporting evidence is limited at this time, the clinical significance of this alteration remains unclear.

NM_000535.7(PMS2):c.1837A>G (p.Lys613Glu)

Gene: PMS2 (PMS1 homolog 2, mismatch repair system component; minus strand). Cytogenetic location: 7p22.1.
Variant type: single nucleotide variant.
Coding change: c.1837A>G on transcript NM_000535.7 (MANE Select); coding-DNA position 1837, A replaced by G.
Protein change: p.Lys613Glu; replaces lysine 613 with glutamic acid.
Molecular consequence: missense variant. On other transcripts: non-coding transcript variant (1), intron variant (1).
Genome position (GRCh38, 1-based): chr7:5,986,928, T>C on the plus strand (A>G on the coding strand, the complement: PMS2 is on the minus strand). VCF-style: chr7-5986928-T-C. GRCh37 (hg19) VCF-style: chr7-6026559-T-C.
Other names: c.1432A>G, p.Lys478Glu (NM_001018040.1, NM_001322003.2, NM_001322004.2 and 17 more transcripts); c.1681A>G, p.Lys561Glu (NM_001322006.2, NM_001406870.1); c.1519A>G, p.Lys507Glu (NM_001322007.2, NM_001322008.2, NM_001406876.1 and 2 more transcripts); c.1276A>G, p.Lys426Glu (NM_001322010.2, NM_001406906.1, NM_001406907.1); c.904A>G, p.Lys302Glu (NM_001322011.2, NM_001322012.2); c.1264A>G, p.Lys422Glu (NM_001322013.2, NM_001406909.1); c.1837A>G, p.Lys613Glu (NM_001322014.2, NM_001406871.1, NM_001406872.1); c.1528A>G, p.Lys510Glu (NM_001322015.2, NM_001406875.1, NM_001406877.1 and 5 more transcripts); and 13 more; short protein forms K302E, K356E, K422E, K426E, K442E, K455E, K458E, K478E.
Identifiers: ClinVar variation 3231988 (VCV003231988.1), dbSNP rs63751230, ClinGen allele CA366739653.